The following is an entry in ClinVar:

NM_001375567.1(FOCAD):c.2600A>G (p.Gln867Arg)

Gene: FOCAD (focadhesin; plus strand). Cytogenetic location: 9p21.3.
Variant type: single nucleotide variant.
Coding change: c.2600A>G on transcript NM_001375567.1 (MANE Select); coding-DNA position 2600, A replaced by G.
Protein change: p.Gln867Arg; replaces glutamine 867 with arginine.
Molecular consequence: missense variant.
Genome position (GRCh38, 1-based): chr9:20,885,205, A>G. VCF-style: chr9-20885205-A-G. GRCh37 (hg19) VCF-style: chr9-20885204-A-G.
Other names: c.2495A>G, p.Gln832Arg (NM_001375568.1, NM_001375570.1); c.2600A>G, p.Gln867Arg (NM_017794.5); short protein forms Q832R, Q867R.
Identifiers: ClinVar variation 1279713 (VCV001279713.7), dbSNP rs117863779, ClinGen allele CA5007172.

ClinVar aggregate classification (germline): Benign. Review status: criteria provided, multiple submitters, no conflicts (2 of 4 stars). 4 submissions from 4 submitters: Benign (3). 1 of the submissions does not count toward it. Last evaluated 2026-01-26.

Conditions:
FOCAD-related disorder. Also called: FOCAD-related condition.

Allele frequency attached by ClinVar (database versions not stated): gnomAD exomes 0.00517; ExAC 0.00555; 1000 Genomes Project 30x 0.01312; ESP Exome Variant Server 0.00031; gnomAD 0.00332 and 0.00267; 1000 Genomes Project 0.01258.
gnomAD v4.1: 3,615 of 1,533,996 alleles (0.24%); highest among the groups gnomAD compares: East Asian, 6.5%; 93 homozygotes.

Submissions (4):

Labcorp Genetics (formerly Invitae), Labcorp
Classification: Benign. Last evaluated: 2026-01-26. Review status: criteria provided, single submitter. Criteria: Invitae Variant Classification Sherloc (09022015). Collection method: clinical testing. Allele origin: germline.

GeneDx
Classification: Benign. Last evaluated: 2019-08-19. Review status: criteria provided, single submitter. Criteria: GeneDx Variant Classification Process June 2021. Collection method: clinical testing. Allele origin: germline. Affected: yes.

Breakthrough Genomics
Classification: Benign. Review status: criteria provided, single submitter. Criteria: ACMG Guidelines, 2015. Collection method: not provided. Allele origin: germline. Inheritance: Autosomal recessive inheritance. Affected: yes.

PreventionGenetics, part of Exact Sciences
Classification: Benign for FOCAD-related condition. Last evaluated: 2019-06-17. Review status: no assertion criteria provided. Collection method: clinical testing. Allele origin: germline. Not counted in ClinVar's aggregate classification.
Comment: This variant is classified as benign based on ACMG/AMP sequence variant interpretation guidelines (Richards et al. 2015 PMID: 25741868, with internal and published modifications).